The following is an entry in ClinVar:

ClinVar aggregate classification (germline): Benign. Review status: criteria provided, multiple submitters, no conflicts (2 of 4 stars). 18 submissions from 17 submitters: Benign (13). 5 of the submissions do not count toward it. Last evaluated 2026-02-04.

Conditions:
Deafness-lymphedema-leukemia syndrome. Also called: Lymphedema, primary, with myelodysplasia; Emberger syndrome. Identifiers: Orphanet 3226, MedGen C3279664, MONDO:0013540, OMIM 614038.
Monocytopenia with susceptibility to infections. Also called: Dendritic cell, monocyte, B lymphocyte, and natural killer lymphocyte deficiency; COMBINED IMMUNODEFICIENCY WITH SUSCEPTIBILITY TO MYCOBACTERIAL, VIRAL, AND FUNGAL INFECTIONS; IMMUNODEFICIENCY 21; GATA2 DEFICIENCY; MONOCYTOPENIA AND MYCOBACTERIAL INFECTION SYNDROME; MONOCYTOPENIA WITH SUSCEPTIBILITY TO MYCOBACTERIAL, FUNGAL, AND PAPILLOMAVIRUS INFECTIONS AND MYELODYSPLASIA. Identifiers: Orphanet 228423, MedGen C3280030, MONDO:0013607, OMIM 614172.
Inborn genetic diseases. Identifiers: MedGen C0950123, MeSH D030342.

Allele frequency attached by ClinVar (database versions not stated): ExAC 0.20562; 1000 Genomes Project 30x 0.22939; 1000 Genomes Project 0.23283; ESP Exome Variant Server 0.16385; gnomAD exomes 0.16487 and 0.19835; gnomAD 0.17829 and 0.18178; TOPMed 0.18847.
gnomAD v4.1: 269,446 of 1,612,430 alleles (17%); highest among the groups gnomAD compares: East Asian, 37%; 24,238 homozygotes.

Submissions (18):

Labcorp Genetics (formerly Invitae), Labcorp
Classification: Benign for Monocytopenia with susceptibility to infections; Deafness-lymphedema-leukemia syndrome. Last evaluated: 2026-02-04. Review status: criteria provided, single submitter. Criteria: Invitae Variant Classification Sherloc (09022015). Collection method: clinical testing. Allele origin: germline.

ARUP Laboratories, Molecular Genetics and Genomics, ARUP Laboratories
Classification: Benign. Last evaluated: 2025-07-30. Review status: criteria provided, single submitter. Criteria: ARUP Molecular Germline Variant Investigation Process 2024. Collection method: clinical testing. Allele origin: germline.

Blueprint Genetics
Classification: Benign. Last evaluated: 2024-11-26. Review status: criteria provided, single submitter. Criteria: ACMG Guidelines, 2015. Collection method: clinical testing. Allele origin: germline.

Ambry Genetics
Classification: Benign for Inborn genetic diseases. Last evaluated: 2024-10-18. Review status: criteria provided, single submitter. Criteria: Ambry Variant Classification Scheme 2023. Collection method: clinical testing. Allele origin: germline.

Mayo Clinic Laboratories, Mayo Clinic
Classification: Benign. Last evaluated: 2024-05-23. Review status: criteria provided, single submitter. Criteria: ACMG Guidelines, 2015. Collection method: clinical testing. Allele origin: germline. Observed: 845 variant alleles.
Comment: BA1, BS2

Unidad de Genómica Garrahan, Hospital de Pediatría Garrahan
Classification: Benign. Last evaluated: 2023-11-12. Review status: criteria provided, single submitter. Criteria: ACMG Guidelines, 2015. Collection method: clinical testing. Allele origin: germline. Affected: no. Observed: 42 variant alleles.
Comment: This variant is classified as Benign based on local population frequency. This variant was detected in 44% of patients studied by a panel of primary immunodeficiencies. Number of patients: 42. Only high quality variants are reported.

Genome-Nilou Lab
Classification: Benign for Deafness-lymphedema-leukemia syndrome. Last evaluated: 2021-08-10. Review status: criteria provided, single submitter. Criteria: ACMG Guidelines, 2015. Collection method: clinical testing. Allele origin: germline. Affected: no.

Genome-Nilou Lab
Classification: Benign for Monocytopenia with susceptibility to infections. Last evaluated: 2021-08-10. Review status: criteria provided, single submitter. Criteria: ACMG Guidelines, 2015. Collection method: clinical testing. Allele origin: germline. Affected: no.

GeneDx
Classification: Benign. Last evaluated: 2018-11-08. Review status: criteria provided, single submitter. Criteria: GeneDx Variant Classification Process June 2021. Collection method: clinical testing. Allele origin: germline. Affected: yes.
Comment: This variant is associated with the following publications: (PMID: 24728327, 16934006, 27153395)

PreventionGenetics, part of Exact Sciences
Classification: Benign. Last evaluated: 2018-04-03. Review status: criteria provided, single submitter. Criteria: ACMG Guidelines, 2015. Collection method: clinical testing. Allele origin: germline.

Illumina Laboratory Services, Illumina
Classification: Benign for Deafness-lymphedema-leukemia syndrome. Last evaluated: 2018-03-06. Review status: criteria provided, single submitter. Criteria: ICSL Variant Classification Criteria 13 December 2019. Collection method: clinical testing. Allele origin: germline.
Comment: This variant was observed in the ICSL laboratory as part of a predisposition screen in an ostensibly healthy population. It had not been previously curated by ICSL or reported in the Human Gene Mutation Database (HGMD: prior to June 1st, 2018), and was therefore a candidate for classification through an automated scoring system. Utilizing variant allele frequency, disease prevalence and penetrance estimates, and inheritance mode, an automated score was calculated to assess if this variant is too frequent to cause the disease. Based on the score and internal cut-off values, a variant classified as benign is not then subjected to further curation. The score for this variant resulted in a classification of benign for this disease.

Laboratory for Molecular Medicine, Mass General Brigham Personalized Medicine
Classification: Benign. Last evaluated: 2016-03-28. Review status: criteria provided, single submitter. Criteria: LMM Criteria. Collection method: clinical testing. Allele origin: germline.
Comment: Variant identified in a genome or exome case(s) and assessed due to predicted null impact of the variant or pathogenic assertions in the literature or databases. Disclaimer: This variant has not undergone full assessment. The following are preliminary notes: Frequency

Breakthrough Genomics
Classification: Benign. Review status: criteria provided, single submitter. Criteria: ACMG Guidelines, 2015. Collection method: not provided. Allele origin: germline. Inheritance: Autosomal dominant inheritance. Affected: yes.

ITMI
No classification provided. Condition: AllHighlyPenetrant. Last evaluated: 2013-09-19. Review status: no classification provided. Collection method: reference population. Allele origin: germline. Not counted in ClinVar's aggregate classification.
Comment: Please see associated publication for description of ethnicities

Clinical Genetics DNA and cytogenetics Diagnostics Lab, Erasmus MC, Erasmus Medical Center
Classification: Benign. Review status: no assertion criteria provided. Collection method: clinical testing. Allele origin: germline. Affected: yes. Study: VKGL Data-share Consensus. Not counted in ClinVar's aggregate classification.

Clinical Genetics, Academic Medical Center
Classification: Benign. Review status: no assertion criteria provided. Collection method: clinical testing. Allele origin: germline. Affected: yes. Study: VKGL Data-share Consensus. Not counted in ClinVar's aggregate classification.

Genome Diagnostics Laboratory, University Medical Center Utrecht
Classification: Benign. Review status: no assertion criteria provided. Collection method: clinical testing. Allele origin: germline. Affected: yes. Study: VKGL Data-share Consensus. Not counted in ClinVar's aggregate classification.

Joint Genome Diagnostic Labs from Nijmegen and Maastricht, Radboudumc and MUMC+
Classification: Benign. Review status: no assertion criteria provided. Collection method: clinical testing. Allele origin: germline. Affected: yes. Study: VKGL Data-share Consensus. Not counted in ClinVar's aggregate classification.

Literature cited by the submitters: PubMed 24728327 (cited by ITMI).

NM_032638.5(GATA2):c.490G>A (p.Ala164Thr)

Gene: GATA2 (GATA binding protein 2; minus strand). Cytogenetic location: 3q21.3.
Variant type: single nucleotide variant.
Coding change: c.490G>A on transcript NM_032638.5 (MANE Select); coding-DNA position 490, G replaced by A.
Protein change: p.Ala164Thr; replaces alanine 164 with threonine.
Molecular consequence: missense variant.
Genome position (GRCh38, 1-based): chr3:128,486,108, C>T on the plus strand (G>A on the coding strand, the complement: GATA2 is on the minus strand). VCF-style: chr3-128486108-C-T. GRCh37 (hg19) VCF-style: chr3-128204951-C-T.
Other names: c.490G>A, p.Ala164Thr (NM_001145661.2, NM_001145662.1); short protein forms A164T.
Identifiers: ClinVar variation 134467 (VCV000134467.39), dbSNP rs2335052, ClinGen allele CA159904.